The following is an entry in ClinVar:

NM_004239.4(TRIP11):c.3475A>G (p.Ile1159Val)

Gene: TRIP11 (thyroid hormone receptor interactor 11; minus strand). Cytogenetic location: 14q32.12.
Variant type: single nucleotide variant.
Coding change: c.3475A>G on transcript NM_004239.4 (MANE Select); coding-DNA position 3475, A replaced by G.
Protein change: p.Ile1159Val; replaces isoleucine 1159 with valine.
Molecular consequence: missense variant.
Genome position (GRCh38, 1-based): chr14:92,004,501, T>C on the plus strand (A>G on the coding strand, the complement: TRIP11 is on the minus strand). VCF-style: chr14-92004501-T-C. GRCh37 (hg19) VCF-style: chr14-92470845-T-C.
Other names: c.3475A>G (NM_004239.3); c.3472A>G, p.Ile1158Val (NM_001321851.1); short protein forms I1158V, I1159V.
Identifiers: ClinVar variation 2057880 (VCV002057880.2), dbSNP rs146398509, ClinGen allele CA7313625.
Genomic context (GRCh38, chr14:92,004,501, plus strand): 5'-TCTGACTTAGTGCATCTATTTCGATGTCTTTTTCTCGAATGATACGTGATAAATTCTGAA[T>C]AGTTTCTCTAAACATATCTTGGCCACTACTTTCAAATCTAGTGGACAATTTTTTATTTTC-3'
Protein context (NP_004230.2, residues 1149-1169): SSGQDMFRET[Ile1159Val]QNLSRIIREK

ClinVar aggregate classification (germline): Uncertain significance. Review status: criteria provided, multiple submitters, no conflicts (2 of 4 stars). 2 submissions from 2 submitters: Uncertain significance (2). Last evaluated 2025-01-21.

Conditions:
Achondrogenesis, type IA (ACG1A). Identifiers: Orphanet 932, Orphanet 93299, MedGen C0265273, MONDO:0008701, OMIM 200600.

Allele frequency attached by ClinVar (database versions not stated): gnomAD exomes 0.00001; ExAC 0.00006; gnomAD 0.00009; TOPMed 0.00011; ESP Exome Variant Server 0.00015.
gnomAD v4.1: 25 of 1,613,216 alleles (0.0015%); highest among the groups gnomAD compares: African/African-American, 0.031%; no homozygotes.

Submissions (2):

GeneDx
Classification: Uncertain significance. Last evaluated: 2025-01-21. Review status: criteria provided, single submitter. Criteria: GeneDx Variant Classification Process June 2021. Collection method: clinical testing. Allele origin: germline. Affected: yes.
Comment: In silico analysis indicates that this missense variant does not alter protein structure/function; Has not been previously published as pathogenic or benign to our knowledge

Labcorp Genetics (formerly Invitae), Labcorp
Classification: Uncertain significance for Achondrogenesis, type IA. Last evaluated: 2022-03-01. Review status: criteria provided, single submitter. Criteria: Invitae Variant Classification Sherloc (09022015). Collection method: clinical testing. Allele origin: germline.
Comment: This sequence change replaces isoleucine, which is neutral and non-polar, with valine, which is neutral and non-polar, at codon 1159 of the TRIP11 protein (p.Ile1159Val). This variant is present in population databases (rs146398509, gnomAD 0.06%). This variant has not been reported in the literature in individuals affected with TRIP11-related conditions. Algorithms developed to predict the effect of missense changes on protein structure and function output the following: SIFT: "Not Available"; PolyPhen-2: "Benign"; Align-GVGD: "Not Available". The valine amino acid residue is found in multiple mammalian species, which suggests that this missense change does not adversely affect protein function. In summary, the available evidence is currently insufficient to determine the role of this variant in disease. Therefore, it has been classified as a Variant of Uncertain Significance.